The following is an entry in ClinVar:

ClinVar aggregate classification (germline): Likely benign (1 of 4 stars; one submission).

Allele frequency attached by ClinVar (database versions not stated): TOPMed 0.00002.
gnomAD v4.1: 17 of 1,613,658 alleles (0.0011%); highest among the groups gnomAD compares: South Asian, 0.0022%; no homozygotes.

Submission:

CeGaT Center for Human Genetics Tuebingen
Classification: Likely benign. Last evaluated: 2022-11-01. Review status: criteria provided, single submitter. Criteria: CeGaT Center For Human Genetics Tuebingen Variant Classification Criteria Version 2. Collection method: clinical testing. Allele origin: germline. Affected: yes. Observed: 1 variant allele.
Comment: MYMK: BP4, BP7

NM_001080483.3(MYMK):c.243G>A (p.Ser81=)

Gene: MYMK (myomaker, myoblast fusion factor; minus strand). Cytogenetic location: 9q34.2.
Variant type: single nucleotide variant.
Coding change: c.243G>A on transcript NM_001080483.3 (MANE Select); coding-DNA position 243, G replaced by A.
Protein change: p.Ser81=; no amino-acid change (serine 81 retained).
Molecular consequence: synonymous variant.
Genome position (GRCh38, 1-based): chr9:133,520,181, C>T on the plus strand (G>A on the coding strand, the complement: MYMK is on the minus strand). VCF-style: chr9-133520181-C-T. GRCh37 (hg19) VCF-style: chr9-136385303-C-T.
Identifiers: ClinVar variation 2659695 (VCV002659695.24), dbSNP rs756144808, ClinGen allele CA200937495.